The following is an entry in ClinVar:

ClinVar aggregate classification (germline): Uncertain significance (1 of 4 stars; one submission).

Conditions:
Spastic paraplegia. Identifiers: MedGen C0037772, HP:0001258.

Allele frequency attached by ClinVar (database versions not stated): TOPMed below 0.00001; gnomAD 0.00001; ExAC 0.00002.
gnomAD v4.1: 11 of 1,611,944 alleles (0.00068%); highest among the groups gnomAD compares: East Asian, 0.0045%; no homozygotes.

Submission:

Labcorp Genetics (formerly Invitae), Labcorp
Classification: Uncertain significance for Spastic paraplegia. Last evaluated: 2022-12-06. Review status: criteria provided, single submitter. Criteria: Invitae Variant Classification Sherloc (09022015). Collection method: clinical testing. Allele origin: germline.
Comment: In summary, the available evidence is currently insufficient to determine the role of this variant in disease. Therefore, it has been classified as a Variant of Uncertain Significance. Algorithms developed to predict the effect of missense changes on protein structure and function are either unavailable or do not agree on the potential impact of this missense change (SIFT: "Tolerated"; PolyPhen-2: "Probably Damaging"; Align-GVGD: "Class C0"). This variant has not been reported in the literature in individuals affected with RTN2-related conditions. This variant is present in population databases (rs776793996, gnomAD 0.006%). This sequence change replaces alanine, which is neutral and non-polar, with valine, which is neutral and non-polar, at codon 381 of the RTN2 protein (p.Ala381Val).

NM_005619.5(RTN2):c.1142C>T (p.Ala381Val)

Genes: RTN2 (reticulon 2; minus strand), OPA3-RTN2 (OPA3-RTN2 readthrough; minus strand). Cytogenetic location: 19q13.32.
Variant type: single nucleotide variant.
Coding change: c.1142C>T on transcript NM_005619.5 (MANE Select); coding-DNA position 1142, C replaced by T.
Protein change: p.Ala381Val; replaces alanine 381 with valine.
Molecular consequence: missense variant.
Genome position (GRCh38, 1-based): chr19:45,489,445, G>A on the plus strand (C>T on the coding strand, the complement: RTN2 is on the minus strand). VCF-style: chr19-45489445-G-A. GRCh37 (hg19) VCF-style: chr19-45992703-G-A.
Other names: c.923C>T, p.Ala308Val (NM_206900.3); c.122C>T, p.Ala41Val (NM_206901.3); short protein forms A381V, A41V, A308V.
Identifiers: ClinVar variation 3017367 (VCV003017367.3), dbSNP rs776793996, ClinGen allele CA9516072.